The following is an entry in ClinVar:

NM_058216.3(RAD51C):c.910A>G (p.Ser304Gly)

Gene: RAD51C (RAD51 paralog C; plus strand). Cytogenetic location: 17q22.
Variant type: single nucleotide variant.
Coding change: c.910A>G on transcript NM_058216.3 (MANE Select); coding-DNA position 910, A replaced by G.
Protein change: p.Ser304Gly; replaces serine 304 with glycine.
Molecular consequence: missense variant. On other transcripts: non-coding transcript variant (1).
Genome position (GRCh38, 1-based): chr17:58,724,045, A>G. VCF-style: chr17-58724045-A-G. GRCh37 (hg19) VCF-style: chr17-56801406-A-G.
Other names: c.910A>G (NM_058216.1); short protein forms S304G.
Identifiers: ClinVar variation 1502314 (VCV001502314.10), dbSNP rs2143961390, ClinGen allele CA400361294.

ClinVar aggregate classification (germline): Uncertain significance. Review status: criteria provided, multiple submitters, no conflicts (2 of 4 stars). 3 submissions from 3 submitters: Uncertain significance (3). Last evaluated 2025-07-14.

Conditions:
Breast-ovarian cancer, familial, susceptibility to, 3. Also called: RAD51C-Related Breast/Ovarian Cancer. Identifiers: Orphanet 145, MedGen C3150659, MONDO:0013253, OMIM 613399.
Hereditary cancer-predisposing syndrome. Also called: Tumor predisposition; Hereditary neoplastic syndrome; Neoplastic Syndromes, Hereditary; Hereditary Cancer Syndrome. Identifiers: Orphanet 140162, MedGen C0027672, MeSH D009386, MONDO:0015356.
Fanconi anemia complementation group O. Also called: RAD51C-Related Fanconi Anemia. Identifiers: Orphanet 84, MedGen C3150653, MONDO:0013248, OMIM 613390.

Submissions (3):

Labcorp Genetics (formerly Invitae), Labcorp
Classification: Uncertain significance for Fanconi anemia complementation group O. Last evaluated: 2025-07-14. Review status: criteria provided, single submitter. Criteria: Invitae Variant Classification Sherloc (09022015). Collection method: clinical testing. Allele origin: germline.
Comment: This sequence change replaces serine, which is neutral and polar, with glycine, which is neutral and non-polar, at codon 304 of the RAD51C protein (p.Ser304Gly). This variant is not present in population databases (gnomAD no frequency). This variant has not been reported in the literature in individuals affected with RAD51C-related conditions. ClinVar contains an entry for this variant (Variation ID: 1502314). Invitae Evidence Modeling of protein sequence and biophysical properties (such as structural, functional, and spatial information, amino acid conservation, physicochemical variation, residue mobility, and thermodynamic stability) indicates that this missense variant is not expected to disrupt RAD51C protein function with a negative predictive value of 80%. In summary, the available evidence is currently insufficient to determine the role of this variant in disease. Therefore, it has been classified as a Variant of Uncertain Significance.

Ambry Genetics
Classification: Uncertain significance for Hereditary cancer-predisposing syndrome. Last evaluated: 2025-04-01. Review status: criteria provided, single submitter. Criteria: Ambry Variant Classification Scheme 2023. Collection method: clinical testing. Allele origin: germline.
Comment: The p.S304G variant (also known as c.910A>G), located in coding exon 7 of the RAD51C gene, results from an A to G substitution at nucleotide position 910. The serine at codon 304 is replaced by glycine, an amino acid with similar properties. This amino acid position is conserved. In addition, the in silico prediction for this alteration is inconclusive. Based on the available evidence, the clinical significance of this variant remains unclear.

Baylor Genetics
Classification: Uncertain significance for Breast-ovarian cancer, familial, susceptibility to, 3. Last evaluated: 2024-03-14. Review status: criteria provided, single submitter. Criteria: ACMG Guidelines, 2015. Collection method: clinical testing. Allele origin: unknown.